The following is an entry in ClinVar:

NM_001376.5(DYNC1H1):c.7219G>A (p.Glu2407Lys)

Gene: DYNC1H1 (dynein cytoplasmic 1 heavy chain 1; plus strand). Cytogenetic location: 14q32.31.
Variant type: single nucleotide variant.
Coding change: c.7219G>A on transcript NM_001376.5 (MANE Select); coding-DNA position 7219, G replaced by A.
Protein change: p.Glu2407Lys; replaces glutamic acid 2407 with lysine.
Molecular consequence: missense variant.
Genome position (GRCh38, 1-based): chr14:102,015,309, G>A. VCF-style: chr14-102015309-G-A. GRCh37 (hg19) VCF-style: chr14-102481646-G-A.
Other names: short protein forms E2407K.
Identifiers: ClinVar variation 4975858 (VCV004975858.1).
Genomic context (GRCh38, chr14:102,015,309, plus strand): 5'-CTGGATGAAGGGGAGGATGAGGCACAGCGGCGGCGTAAGGGCAAAGAGGATGAGGGGGAG[G>A]AGGCCGCTTCCCCCATGCTGCAGGTACGCCCAGGTGGGACCCCACATATCATGACCTGAG-3'
Protein context (NP_001367.2, residues 2397-2417): RRKGKEDEGE[Glu2407Lys]AASPMLQIQR

ClinVar aggregate classification (germline): Uncertain significance (1 of 4 stars; one submission).

Submission:

GeneDx
Classification: Uncertain significance. Last evaluated: 2026-01-29. Review status: criteria provided, single submitter. Criteria: GeneDx Variant Classification Process June 2021. Collection method: clinical testing. Allele origin: germline.
Comment: Not observed at significant frequency in large population cohorts (gnomAD); In silico analysis suggests that this missense variant does not alter protein structure/function; Has not been previously published as pathogenic or benign to our knowledge; This variant is associated with the following publications: (PMID: 25512093, 25609763, 26100331)